The following is an entry in ClinVar:

NM_014000.3(VCL):c.2851C>A (p.Pro951Thr)

Gene: VCL (vinculin; plus strand). Cytogenetic location: 10q22.2.
Variant type: single nucleotide variant.
Coding change: c.2851C>A on transcript NM_014000.3 (MANE Select); coding-DNA position 2851, C replaced by A.
Protein change: p.Pro951Thr; replaces proline 951 with threonine.
Molecular consequence: missense variant. On other transcripts: intron variant (1).
Genome position (GRCh38, 1-based): chr10:74,112,014, C>A. VCF-style: chr10-74112014-C-A. GRCh37 (hg19) VCF-style: chr10-75871772-C-A.
Other names: c.2746-2170C>A (NM_003373.4); short protein forms P951T.
Identifiers: ClinVar variation 3729941 (VCV003729941.2).
Genomic context (GRCh38, chr10:74,112,014, plus strand): 5'-GCAGATGCGGCCGATGCTGCTGGCTTCCCTGTCCCCCCTGACATGGAAGACGATTACGAA[C>A]CTGAGCTGCTGTTAATGCCATCCAATCAGCCGGTCAACCAGCCCATTCTGGCCGCGGCTC-3'
Protein context (NP_054706.1, residues 941-961): VPPDMEDDYE[Pro951Thr]ELLLMPSNQP

ClinVar aggregate classification (germline): Uncertain significance (1 of 4 stars; one submission).

Conditions:
Dilated cardiomyopathy 1W (CMD1W). Identifiers: Orphanet 154, MedGen C1969639, MONDO:0012667, OMIM 611407.

Submission:

Labcorp Genetics (formerly Invitae), Labcorp
Classification: Uncertain significance for Dilated cardiomyopathy 1W. Last evaluated: 2025-02-03. Review status: criteria provided, single submitter. Criteria: Invitae Variant Classification Sherloc (09022015). Collection method: clinical testing. Allele origin: germline.
Comment: This sequence change replaces proline, which is neutral and non-polar, with threonine, which is neutral and polar, at codon 951 of the VCL protein (p.Pro951Thr). This variant is not present in population databases (gnomAD no frequency). This variant has not been reported in the literature in individuals affected with VCL-related conditions. An algorithm developed to predict the effect of missense changes on protein structure and function (PolyPhen-2) suggests that this variant is likely to be tolerated. In summary, the available evidence is currently insufficient to determine the role of this variant in disease. Therefore, it has been classified as a Variant of Uncertain Significance.